The following is an entry in ClinVar:

ClinVar aggregate classification (germline): Uncertain significance (1 of 4 stars; one submission).

Submission:

Labcorp Genetics (formerly Invitae), Labcorp
Classification: Uncertain significance. Last evaluated: 2024-10-07. Review status: criteria provided, single submitter. Criteria: Invitae Variant Classification Sherloc (09022015). Collection method: clinical testing. Allele origin: germline.
Comment: This variant, c.243_248dup, results in the insertion of 2 amino acid(s) of the NAF1 protein (p.Gln84_Pro85dup), but otherwise preserves the integrity of the reading frame. This variant is present in population databases (rs768391630, gnomAD 0.03%). This variant has not been reported in the literature in individuals affected with NAF1-related conditions. In summary, the available evidence is currently insufficient to determine the role of this variant in disease. Therefore, it has been classified as a Variant of Uncertain Significance.

NM_138386.3(NAF1):c.243_248dup (p.Pro85_Pro86insGlnPro)

Gene: NAF1 (nuclear assembly factor 1 ribonucleoprotein; minus strand). Cytogenetic location: 4q32.2.
Variant type: Duplication.
Coding change: c.243_248dup on transcript NM_138386.3 (MANE Select); coding-DNA positions 243 to 248, 6 bases duplicated (GCAGCC; older notation c.243_248dupGCAGCC).
Protein change: p.Pro85_Pro86insGlnPro.
Molecular consequence: inframe insertion.
Genome position (GRCh38, 1-based): chr4:163,166,480-163,166,485, GGCTGC duplicated on the plus strand (GCAGCC on the coding strand, the reverse complement: NAF1 is on the minus strand); duplicating any 6 consecutive bases within chr4:163,166,480-163,166,488 gives the same sequence; the c. name uses the placement nearest the transcript's 3' end. VCF-style (leftmost placement, unchanged base first): chr4-163166479-T-TGGCTGC. GRCh37 (hg19) VCF-style: chr4-164087631-T-TGGCTGC.
Other names: c.243_248dup, p.Pro85_Pro86insGlnPro (NM_001128931.2).
Identifiers: ClinVar variation 2899588 (VCV002899588.3), dbSNP rs768391630, ClinGen allele CA3126444.